The following is an entry in ClinVar:

NM_203475.3(PORCN):c.988G>C (p.Val330Leu)

Gene: PORCN (porcupine O-acyltransferase; plus strand). Cytogenetic location: Xp11.23.
Variant type: single nucleotide variant.
Coding change: c.988G>C on transcript NM_203475.3 (MANE Select); coding-DNA position 988, G replaced by C.
Protein change: p.Val330Leu; replaces valine 330 with leucine.
Molecular consequence: missense variant. On other transcripts: non-coding transcript variant (2).
Genome position (GRCh38, 1-based): chrX:48,515,758, G>C. VCF-style: chrX-48515758-G-C. GRCh37 (hg19) VCF-style: chrX-48374146-G-C.
Other names: c.742G>C, p.Val248Leu (NM_001282167.2); c.1312G>C, p.Val438Leu (NM_001441333.1); c.1294G>C, p.Val432Leu (NM_001441334.1); c.1060G>C, p.Val354Leu (NM_001441335.1); c.1147G>C, p.Val383Leu (NM_001441336.1); c.955G>C, p.Val319Leu (NM_022825.4); c.973G>C, p.Val325Leu (NM_203473.3); c.970G>C, p.Val324Leu (NM_203474.1); short protein forms V248L, V319L, V324L, V325L, V330L, V354L, V383L, V432L.
Identifiers: ClinVar variation 4819443 (VCV004819443.1).
Genomic context (GRCh38, chrX:48,515,758, plus strand): 5'-CACATCTCTTCCCCTCCAGATGTTTTCAAGAATGCTCTCCGCCTGGGGACCTTCTCGGCT[G>C]TGCTGGTCACCTATGCAGCCAGCGCCCTCCTACATGTGAGCAGGGTGGAGCAGGATCAGG-3'
Protein context (NP_982301.1, residues 320-340): NALRLGTFSA[Val330Leu]LVTYAASALL

ClinVar aggregate classification (germline): Likely benign (1 of 4 stars; one submission).

Conditions:
Focal dermal hypoplasia (FDH). Also called: Goltz syndrome. Identifiers: Orphanet 2092, MedGen C0016395, MONDO:0010592, OMIM 305600.

Submission:

Centre for Medical Genetics,  Mumbai
Classification: Likely benign for Focal dermal hypoplasia. Last evaluated: 2026-03-13. Review status: criteria provided, single submitter. Criteria: ACMG Guidelines, 2015. Collection method: provider interpretation. Allele origin: germline. Inheritance: X-linked dominant inheritance. Affected: no. Observed: 1 variant allele, 1 heterozygote.
Comment: The variant satisfies PM2 criteria; Extremely low frequency in gnomAD population databases. The variant satisfies BP4 criteria; For a missense or a splice region variant, computational prediction tools unanimously support a benign effect on the gene. However, the variant satisfies BS2 criteria.

Literature cited by the submitters: PubMed 17546030.